The following is an entry in ClinVar:

ClinVar aggregate classification (germline): Pathogenic/Likely pathogenic. Review status: criteria provided, multiple submitters, no conflicts (2 of 4 stars). 3 submissions from 3 submitters: Pathogenic (1); Likely pathogenic (2). Last evaluated 2025-04-11.

Conditions:
Primary ciliary dyskinesia. Also called: Ciliary dyskinesia. Identifiers: Orphanet 244, MedGen C0008780, MONDO:0016575, HP:0012265.
Primary ciliary dyskinesia 18. Also called: CILIARY DYSKINESIA, PRIMARY, 18, WITH OR WITHOUT SITUS INVERSUS. Identifiers: Orphanet 244, MedGen C3543825, MONDO:0013940, OMIM 614874.
DNAAF5-related disorder. Also called: DNAAF5-related condition.

Allele frequency attached by ClinVar (database versions not stated): gnomAD exomes below 0.00001; TOPMed below 0.00001.
gnomAD v4.1: 6 of 1,588,708 alleles (0.00038%); highest among the groups gnomAD compares: Non-Finnish European, 0.00034%; no homozygotes.

Submissions (3):

PreventionGenetics, part of Exact Sciences
Classification: Likely pathogenic for DNAAF5-related condition. Last evaluated: 2025-04-11. Review status: criteria provided, single submitter. Criteria: ACMG Guidelines, 2015. Collection method: clinical testing. Allele origin: germline.
Comment: The DNAAF5 c.926G>A variant is predicted to result in premature protein termination (p.Trp309*). To our knowledge, this variant has not been reported in the literature. This variant is reported in 0.0% of alleles in individuals of African descent in gnomAD. Nonsense variants in DNAAF5 are expected to be pathogenic. This variant is interpreted as likely pathogenic.

Labcorp Genetics (formerly Invitae), Labcorp
Classification: Pathogenic for Primary ciliary dyskinesia. Last evaluated: 2022-11-08. Review status: criteria provided, single submitter. Criteria: Invitae Variant Classification Sherloc (09022015). Collection method: clinical testing. Allele origin: germline.
Comment: For these reasons, this variant has been classified as Pathogenic. ClinVar contains an entry for this variant (Variation ID: 651485). This variant has not been reported in the literature in individuals affected with DNAAF5-related conditions. This variant is not present in population databases (gnomAD no frequency). This sequence change creates a premature translational stop signal (p.Trp309*) in the DNAAF5 gene. It is expected to result in an absent or disrupted protein product. Loss-of-function variants in DNAAF5 are known to be pathogenic (PMID: 24307375, 25232951).

Fulgent Genetics
Classification: Likely pathogenic for Primary ciliary dyskinesia 18. Last evaluated: 2022-03-02. Review status: criteria provided, single submitter. Criteria: ACMG Guidelines, 2015. Collection method: clinical testing. Allele origin: unknown.

Literature cited by the submitters: PubMed 24307375 (cited by Labcorp Genetics (formerly Invitae), Labcorp); PubMed 25232951 (cited by Labcorp Genetics (formerly Invitae), Labcorp).

NM_017802.4(DNAAF5):c.926G>A (p.Trp309Ter)

Gene: DNAAF5 (dynein axonemal assembly factor 5; plus strand). Cytogenetic location: 7p22.3.
Variant type: single nucleotide variant.
Coding change: c.926G>A on transcript NM_017802.4 (MANE Select); coding-DNA position 926, G replaced by A.
Protein change: p.Trp309Ter; replaces tryptophan 309 with a stop codon.
Molecular consequence: nonsense. On other transcripts: non-coding transcript variant (1).
Genome position (GRCh38, 1-based): chr7:741,367, G>A. VCF-style: chr7-741367-G-A. GRCh37 (hg19) VCF-style: chr7-781004-G-A.
Other names: short protein forms W309*.
Identifiers: ClinVar variation 651485 (VCV000651485.9), dbSNP rs1489856215, ClinGen allele CA366534377.